The following is an entry in ClinVar:

ClinVar aggregate classification (germline): Pathogenic. Review status: criteria provided, multiple submitters, no conflicts (2 of 4 stars). 2 submissions from 2 submitters: Pathogenic (2). Last evaluated 2023-09-22.

Conditions:
RP1-related disorder. Also called: RP1-related condition.

Submissions (2):

Labcorp Genetics (formerly Invitae), Labcorp
Classification: Pathogenic. Last evaluated: 2023-09-22. Review status: criteria provided, single submitter. Criteria: Invitae Variant Classification Sherloc (09022015). Collection method: clinical testing. Allele origin: germline.
Comment: For these reasons, this variant has been classified as Pathogenic. This variant disrupts the C-terminus of the RP1 protein. Many variants that disrupt this region have been reported in individuals with either autosomal dominant or autosomal recessive retinitis pigmentosa (PMID: 11527933, 19933189, 29425069, 30027431, 33681214). Therefore, variants that disrupt this region are expected to be disease-causing. ClinVar contains an entry for this variant (Variation ID: 1437481). This premature translational stop signal has been observed in individual(s) with clinical features of retinitis pigmentosa (Invitae). This variant is not present in population databases (gnomAD no frequency). This sequence change creates a premature translational stop signal (p.Glu739*) in the RP1 gene. While this is not anticipated to result in nonsense mediated decay, it is expected to disrupt the last 1418 amino acid(s) of the RP1 protein.

Blueprint Genetics
Classification: Pathogenic for RP1-related disorders. Last evaluated: 2022-12-01. Review status: criteria provided, single submitter. Criteria: ACMG Guidelines, 2015. Collection method: clinical testing. Allele origin: germline. Affected: yes. Observed: 3 variant alleles.

Literature cited by the submitters: PubMed 11527933 (cited by Labcorp Genetics (formerly Invitae), Labcorp); PubMed 19933189 (cited by Labcorp Genetics (formerly Invitae), Labcorp); PubMed 29425069 (cited by Labcorp Genetics (formerly Invitae), Labcorp); PubMed 30027431 (cited by Labcorp Genetics (formerly Invitae), Labcorp); PubMed 33681214 (cited by Labcorp Genetics (formerly Invitae), Labcorp).

NM_006269.2(RP1):c.2215G>T (p.Glu739Ter)

Gene: RP1 (RP1 axonemal microtubule associated; plus strand). Cytogenetic location: 8q12.1.
Variant type: single nucleotide variant.
Coding change: c.2215G>T on transcript NM_006269.2 (MANE Select); coding-DNA position 2215, G replaced by T.
Protein change: p.Glu739Ter; replaces glutamic acid 739 with a stop codon.
Molecular consequence: nonsense. On other transcripts: intron variant (1).
Genome position (GRCh38, 1-based): chr8:54,626,097, G>T. VCF-style: chr8-54626097-G-T. GRCh37 (hg19) VCF-style: chr8-55538657-G-T.
Other names: c.787+3809G>T (NM_001375654.1); short protein forms E739*.
Identifiers: ClinVar variation 1437481 (VCV001437481.7), dbSNP rs2129316492, ClinGen allele CA370993013.